The following is an entry in ClinVar:

ClinVar aggregate classification (germline): Uncertain significance (1 of 4 stars; one submission).

Allele frequency attached by ClinVar (database versions not stated): gnomAD exomes below 0.00001.
gnomAD v4.1: 1 of 1,614,196 alleles (0.000062%); highest among the groups gnomAD compares: South Asian, 0.0011%; no homozygotes.

Submission:

Labcorp Genetics (formerly Invitae), Labcorp
Classification: Uncertain significance. Last evaluated: 2022-07-23. Review status: criteria provided, single submitter. Criteria: Invitae Variant Classification Sherloc (09022015). Collection method: clinical testing. Allele origin: germline.
Comment: In summary, the available evidence is currently insufficient to determine the role of this variant in disease. Therefore, it has been classified as a Variant of Uncertain Significance. Algorithms developed to predict the effect of missense changes on protein structure and function (SIFT, PolyPhen-2, Align-GVGD) all suggest that this variant is likely to be tolerated. This variant has not been reported in the literature in individuals affected with ITGA8-related conditions. This variant is not present in population databases (gnomAD no frequency). This sequence change replaces lysine, which is basic and polar, with glutamine, which is neutral and polar, at codon 905 of the ITGA8 protein (p.Lys905Gln).

NM_003638.3(ITGA8):c.2713A>C (p.Lys905Gln)

Gene: ITGA8 (integrin subunit alpha 8; minus strand). Cytogenetic location: 10p13.
Variant type: single nucleotide variant.
Coding change: c.2713A>C on transcript NM_003638.3 (MANE Select); coding-DNA position 2713, A replaced by C.
Protein change: p.Lys905Gln; replaces lysine 905 with glutamine.
Molecular consequence: missense variant.
Genome position (GRCh38, 1-based): chr10:15,558,127, T>G on the plus strand (A>C on the coding strand, the complement: ITGA8 is on the minus strand). VCF-style: chr10-15558127-T-G. GRCh37 (hg19) VCF-style: chr10-15600126-T-G.
Other names: c.2668A>C, p.Lys890Gln (NM_001291494.2); short protein forms K890Q, K905Q.
Identifiers: ClinVar variation 2019234 (VCV002019234.4), dbSNP rs2491870684, ClinGen allele CA376095737.